The following is an entry in ClinVar:

NM_001165963.4(SCN1A):c.4923T>C (p.Ala1641=)

Genes: SCN1A (sodium voltage-gated channel alpha subunit 1; minus strand), LOC102724058 (uncharacterized LOC102724058; plus strand). Cytogenetic location: 2q24.3.
Variant type: single nucleotide variant.
Coding change: c.4923T>C on transcript NM_001165963.4 (MANE Select); coding-DNA position 4923, T replaced by C.
Protein change: p.Ala1641=; no amino-acid change (alanine 1641 retained).
Molecular consequence: synonymous variant. On other transcripts: non-coding transcript variant (1).
Genome position (GRCh38, 1-based): chr2:165,992,352, A>G on the plus strand (T>C on the coding strand, the complement: SCN1A is on the minus strand). VCF-style: chr2-165992352-A-G. GRCh37 (hg19) VCF-style: chr2-166848862-A-G.
Other names: c.4923T>C (NM_001202435.1); c.4839T>C, p.Ala1613= (NM_001165964.3, NM_001353957.2, NM_001353958.2); c.4923T>C, p.Ala1641= (NM_001202435.3, NM_001353948.2); c.4890T>C, p.Ala1630= (NM_001353949.2, NM_001353950.2, NM_001353951.2 and 2 more transcripts); c.4887T>C, p.Ala1629= (NM_001353954.2, NM_001353955.2); c.4836T>C, p.Ala1612= (NM_001353960.2); c.2481T>C, p.Ala827= (NM_001353961.2).
Identifiers: ClinVar variation 379180 (VCV000379180.21), dbSNP rs369650500, ClinGen allele CA1942710.

ClinVar aggregate classification (germline): Benign/Likely benign. Review status: criteria provided, multiple submitters, no conflicts (2 of 4 stars). 6 submissions from 6 submitters: Benign (2); Likely benign (3). 1 of the submissions does not count toward it. Last evaluated 2026-07-01.

Conditions:
SCN1A-related disorder. Also called: SCN1A-related disorders; SCN1A-related conditions; SCN1A-related condition.
Inborn genetic diseases. Identifiers: MedGen C0950123, MeSH D030342.
Early-infantile DEE. Also called: Ohtahara syndrome; Early infantile epileptic encephalopathy; Early infantile epileptic encephalopathy with suppression bursts. Identifiers: Orphanet 1934, MedGen C0393706, MONDO:0800491.

Allele frequency attached by ClinVar (database versions not stated): gnomAD 0.00002; gnomAD exomes 0.00004 and 0.00018; TOPMed 0.00005; ESP Exome Variant Server 0.00008; ExAC 0.00015.
gnomAD v4.1: 56 of 1,613,646 alleles (0.0035%); highest among the groups gnomAD compares: Admixed American, 0.08%; no homozygotes.

Submissions (6):

CeGaT Center for Human Genetics Tuebingen
Classification: Likely benign. Last evaluated: 2026-07-01. Review status: criteria provided, single submitter. Criteria: CeGaT Center For Human Genetics Tuebingen Variant Classification Criteria Version 2. Collection method: clinical testing. Allele origin: germline. Affected: yes. Observed: 1 variant allele.
Comment: SCN1A: BP4

Labcorp Genetics (formerly Invitae), Labcorp
Classification: Benign for Early-infantile DEE. Last evaluated: 2026-02-03. Review status: criteria provided, single submitter. Criteria: Invitae Variant Classification Sherloc (09022015). Collection method: clinical testing. Allele origin: germline.

Women's Health and Genetics/Laboratory Corporation of America, LabCorp
Classification: Benign. Last evaluated: 2025-12-03. Review status: criteria provided, single submitter. Criteria: LabCorp Variant Classification Summary - May 2015. Collection method: clinical testing. Allele origin: germline.

GeneDx
Classification: Likely benign. Last evaluated: 2021-02-02. Review status: criteria provided, single submitter. Criteria: GeneDx Variant Classification Process June 2021. Collection method: clinical testing. Allele origin: germline. Affected: yes.

Ambry Genetics
Classification: Likely benign for Inborn genetic diseases. Last evaluated: 2016-08-15. Review status: criteria provided, single submitter. Criteria: Ambry Variant Classification Scheme 2023. Collection method: clinical testing. Allele origin: germline.

PreventionGenetics, part of Exact Sciences
Classification: Likely benign for SCN1A-related condition. Last evaluated: 2022-06-20. Review status: no assertion criteria provided. Collection method: clinical testing. Allele origin: germline. Not counted in ClinVar's aggregate classification.
Comment: This variant is classified as likely benign based on ACMG/AMP sequence variant interpretation guidelines (Richards et al. 2015 PMID: 25741868, with internal and published modifications).